The following is an entry in ClinVar:

NM_000290.4(PGAM2):c.415-3C>T

Genes: PGAM2 (phosphoglycerate mutase 2; minus strand), DBNL (drebrin like; plus strand). Cytogenetic location: 7p13.
Variant type: single nucleotide variant.
Coding change: c.415-3C>T on transcript NM_000290.4 (MANE Select); 3 bases into the intron before coding-DNA position 415, C replaced by T.
Molecular consequence: intron variant. On other transcripts: 3 prime UTR variant (6).
Genome position (GRCh38, 1-based): chr7:44,065,015, G>A on the plus strand (C>T on the coding strand, the complement: PGAM2 is on the minus strand). VCF-style: chr7-44065015-G-A. GRCh37 (hg19) VCF-style: chr7-44104614-G-A.
Other names: c.*4099G>A (NM_001014436.3, NM_001122956.2, NM_001284313.2 and 3 more transcripts).
Identifiers: ClinVar variation 513506 (VCV000513506.34), dbSNP rs201133395, ClinGen allele CA4236579.
Genomic context (GRCh38, chr7:44,065,015, plus strand): 5'-CCTTGAGGCTCTCGCAGGTGGGGAGTTCCCCGGGCTTCAGGCCTGCGTACCGACGCTCCT[G>A]GGGGACACAGGCACGCTGCTTTCCCTCCCAAGCCAGTGGGCCCCCACCCGACTCCCCACT-3'

ClinVar aggregate classification (germline): Conflicting classifications of pathogenicity. Review status: criteria provided, conflicting classifications (1 of 4 stars). 4 submissions from 4 submitters: Uncertain significance (1); Likely benign (3). Last evaluated 2025-12-01.

Conditions:
Glycogen storage disease type X (GSD10). Also called: Dimauro disease; Glycogen storage disease due to phosphoglycerate mutase deficiency; GSD X; MYOPATHY DUE TO PHOSPHOGLYCERATE MUTASE DEFICIENCY; PGAMM DEFICIENCY; PHOSPHOGLYCERATE MUTASE, MUSCLE, DEFICIENCY OF. Identifiers: Orphanet 97234, MedGen C0268149, MONDO:0009865, OMIM 261670.

Allele frequency attached by ClinVar (database versions not stated): 1000 Genomes Project 30x 0.00016; 1000 Genomes Project 0.00020; ESP Exome Variant Server 0.00031; TOPMed 0.00046; gnomAD 0.00048; gnomAD exomes 0.00055 and 0.00065; ExAC 0.00067.
gnomAD v4.1: 1,029 of 1,606,422 alleles (0.064%); highest among the groups gnomAD compares: Non-Finnish European, 0.074%; 2 homozygotes.

Submissions (6):

CeGaT Center for Human Genetics Tuebingen
Classification: Likely benign. Last evaluated: 2025-12-01. Review status: criteria provided, single submitter. Criteria: CeGaT Center For Human Genetics Tuebingen Variant Classification Criteria Version 2. Collection method: clinical testing. Allele origin: germline. Affected: yes. Observed: 2 variant alleles.
Comment: PGAM2: BP4

Labcorp Genetics (formerly Invitae), Labcorp
Classification: Uncertain significance for Glycogen storage disease type X. Last evaluated: 2024-10-14. Review status: criteria provided, single submitter. Criteria: Invitae Variant Classification Sherloc (09022015). Collection method: clinical testing. Allele origin: germline.
Comment: This sequence change falls in intron 1 of the PGAM2 gene. It does not directly change the encoded amino acid sequence of the PGAM2 protein. It affects a nucleotide within the consensus splice site. This variant is present in population databases (rs201133395, gnomAD 0.09%), and has an allele count higher than expected for a pathogenic variant. This variant has not been reported in the literature in individuals affected with PGAM2-related conditions. ClinVar contains an entry for this variant (Variation ID: 513506). Variants that disrupt the consensus splice site are a relatively common cause of aberrant splicing (PMID: 17576681, 9536098). Algorithms developed to predict the effect of sequence changes on RNA splicing suggest that this variant is not likely to affect RNA splicing. In summary, the available evidence is currently insufficient to determine the role of this variant in disease. Therefore, it has been classified as a Variant of Uncertain Significance.

Blueprint Genetics
Classification: Likely benign. Last evaluated: 2024-09-11. Review status: criteria provided, single submitter. Criteria: ACMG Guidelines, 2015. Collection method: clinical testing. Allele origin: germline.

GeneDx
Classification: Likely benign. Last evaluated: 2020-08-06. Review status: criteria provided, single submitter. Criteria: GeneDx Variant Classification Process June 2021. Collection method: clinical testing. Allele origin: germline. Affected: yes.

Dr. Peter K. Rogan Lab, Western University
No classification provided (evidence only). Condition: Uterine corpus endometrial carcinoma. Review status: no classification provided. Collection method: in vitro. Allele origin: not applicable. Functional consequence: skipped exon, retained intron. Not counted in ClinVar's aggregate classification.

Dr. Peter K. Rogan Lab, Western University
No classification provided (evidence only). Condition: Familial pancreatic carcinoma. Review status: no classification provided. Collection method: in vitro. Allele origin: not applicable. Functional consequence: retained intron. Not counted in ClinVar's aggregate classification.

Literature cited by the submitters: PubMed 17576681 (cited by Labcorp Genetics (formerly Invitae), Labcorp); PubMed 9536098 (cited by Labcorp Genetics (formerly Invitae), Labcorp).